The following is an entry in ClinVar:

ClinVar aggregate classification (germline): Likely benign. Review status: criteria provided, multiple submitters, no conflicts (2 of 4 stars). 3 submissions from 3 submitters: Likely benign (3). Last evaluated 2026-03-10.

Conditions:
SLC24A1-related disorder. Also called: SLC24A1-related condition.

Allele frequency attached by ClinVar (database versions not stated): ExAC 0.00006; gnomAD 0.00009; TOPMed 0.00014.
gnomAD v4.1: 29 of 1,575,866 alleles (0.0018%); highest among the groups gnomAD compares: African/African-American, 0.032%; no homozygotes.

Submissions (3):

PreventionGenetics, part of Exact Sciences
Classification: Likely benign for SLC24A1-related condition. Last evaluated: 2026-03-10. Review status: criteria provided, single submitter. Criteria: ACMG Guidelines, 2015. Collection method: clinical testing. Allele origin: germline.
Comment: This variant is classified as likely benign based on ACMG/AMP sequence variant interpretation guidelines (Richards et al. 2015 PMID: 25741868, with internal and published modifications).

Labcorp Genetics (formerly Invitae), Labcorp
Classification: Likely benign. Last evaluated: 2025-09-02. Review status: criteria provided, single submitter. Criteria: Invitae Variant Classification Sherloc (09022015). Collection method: clinical testing. Allele origin: germline.

Blueprint Genetics
Classification: Likely benign. Last evaluated: 2022-10-30. Review status: criteria provided, single submitter. Criteria: ACMG Guidelines, 2015. Collection method: clinical testing. Allele origin: germline.

NM_004727.3(SLC24A1):c.2054-6T>C

Gene: SLC24A1 (solute carrier family 24 member 1; plus strand). Cytogenetic location: 15q22.31.
Variant type: single nucleotide variant.
Coding change: c.2054-6T>C on transcript NM_004727.3 (MANE Select); 6 bases into the intron before coding-DNA position 2054, T replaced by C.
Molecular consequence: intron variant.
Genome position (GRCh38, 1-based): chr15:65,644,421, T>C. VCF-style: chr15-65644421-T-C. GRCh37 (hg19) VCF-style: chr15-65936759-T-C.
Other names: c.2054-6T>C (NM_004727.2, NM_001301031.1); c.2000-6T>C (NM_001301033.2, NM_001301032.1); c.35-6T>C (NM_001254740.2).
Identifiers: ClinVar variation 1117460 (VCV001117460.11), dbSNP rs748172467, ClinGen allele CA7620081.